The following is an entry in ClinVar:

ClinVar aggregate classification (germline): Uncertain significance (1 of 4 stars; one submission).

Conditions:
Emery-Dreifuss muscular dystrophy 5, autosomal dominant (EDMD5). Also called: EMERY-DREIFUSS MUSCULAR DYSTROPHY 5. Identifiers: Orphanet 261, MedGen C2751805, MONDO:0013072, OMIM 612999.

gnomAD v4.1: 1 of 1,614,238 alleles (0.000062%); highest among the groups gnomAD compares: East Asian, 0.0022%; no homozygotes.

Submission:

Labcorp Genetics (formerly Invitae), Labcorp
Classification: Uncertain significance for Emery-Dreifuss muscular dystrophy 5, autosomal dominant. Last evaluated: 2022-07-19. Review status: criteria provided, single submitter. Criteria: Invitae Variant Classification Sherloc (09022015). Collection method: clinical testing. Allele origin: germline.
Comment: In summary, the available evidence is currently insufficient to determine the role of this variant in disease. Therefore, it has been classified as a Variant of Uncertain Significance. Algorithms developed to predict the effect of sequence changes on RNA splicing suggest that this variant may create or strengthen a splice site. Algorithms developed to predict the effect of missense changes on protein structure and function output the following: SIFT: "Tolerated"; PolyPhen-2: "Benign"; Align-GVGD: "Class C0". The glutamine amino acid residue is found in multiple mammalian species, which suggests that this missense change does not adversely affect protein function. ClinVar contains an entry for this variant (Variation ID: 862958). This variant has not been reported in the literature in individuals affected with SYNE2-related conditions. This variant is not present in population databases (gnomAD no frequency). This sequence change replaces histidine, which is basic and polar, with glutamine, which is neutral and polar, at codon 4457 of the SYNE2 protein (p.His4457Gln).

NM_182914.3(SYNE2):c.13371T>G (p.His4457Gln)

Gene: SYNE2 (spectrin repeat containing nuclear envelope protein 2; plus strand). Cytogenetic location: 14q23.2.
Variant type: single nucleotide variant.
Coding change: c.13371T>G on transcript NM_182914.3 (MANE Select); coding-DNA position 13371, T replaced by G.
Protein change: p.His4457Gln; replaces histidine 4457 with glutamine.
Molecular consequence: missense variant.
Genome position (GRCh38, 1-based): chr14:64,122,376, T>G. VCF-style: chr14-64122376-T-G. GRCh37 (hg19) VCF-style: chr14-64589094-T-G.
Other names: c.13371T>G, p.His4457Gln (NM_015180.6); short protein forms H4457Q.
Identifiers: ClinVar variation 862958 (VCV000862958.9), dbSNP rs778640413, ClinGen allele CA389964462.